The following is an entry in ClinVar:

NM_004700.4(KCNQ4):c.2006A>G (p.His669Arg)

Gene: KCNQ4 (potassium voltage-gated channel subfamily Q member 4; plus strand). Cytogenetic location: 1p34.2.
Variant type: single nucleotide variant.
Coding change: c.2006A>G on transcript NM_004700.4 (MANE Select); coding-DNA position 2006, A replaced by G.
Protein change: p.His669Arg; replaces histidine 669 with arginine.
Molecular consequence: missense variant.
Genome position (GRCh38, 1-based): chr1:40,838,441, A>G. VCF-style: chr1-40838441-A-G. GRCh37 (hg19) VCF-style: chr1-41304113-A-G.
Other names: c.1844A>G, p.His615Arg (NM_172163.3); short protein forms H669R, H615R.
Identifiers: ClinVar variation 228775 (VCV000228775.40), dbSNP rs749565877, ClinGen allele CA795057.

ClinVar aggregate classification (germline): Conflicting classifications of pathogenicity. Review status: criteria provided, conflicting classifications (1 of 4 stars). 4 submissions from 4 submitters: Uncertain significance (2); Benign (1); Likely benign (1). Last evaluated 2025-02-01.

Conditions:
Inborn genetic diseases. Identifiers: MedGen C0950123, MeSH D030342.

Allele frequency attached by ClinVar (database versions not stated): gnomAD 0.00001 and 0.00003; TOPMed 0.00002; gnomAD exomes 0.00009 and 0.00014; ExAC 0.00019.
gnomAD v4.1: 137 of 1,613,944 alleles (0.0085%); highest among the groups gnomAD compares: South Asian, 0.1%; 1 homozygote.

Submissions (4):

CeGaT Center for Human Genetics Tuebingen
Classification: Benign. Last evaluated: 2025-02-01. Review status: criteria provided, single submitter. Criteria: CeGaT Center For Human Genetics Tuebingen Variant Classification Criteria Version 2. Collection method: clinical testing. Allele origin: germline. Affected: yes. Observed: 2 variant alleles.
Comment: KCNQ4: BS1, BS2

Labcorp Genetics (formerly Invitae), Labcorp
Classification: Likely benign. Last evaluated: 2024-03-23. Review status: criteria provided, single submitter. Criteria: Invitae Variant Classification Sherloc (09022015). Collection method: clinical testing. Allele origin: germline.

Ambry Genetics
Classification: Uncertain significance for Inborn genetic diseases. Last evaluated: 2023-05-05. Review status: criteria provided, single submitter. Criteria: Ambry Variant Classification Scheme 2023. Collection method: clinical testing. Allele origin: germline.

Laboratory for Molecular Medicine, Mass General Brigham Personalized Medicine
Classification: Uncertain significance. Last evaluated: 2015-09-08. Review status: criteria provided, single submitter. Criteria: LMM Criteria. Collection method: clinical testing. Allele origin: germline. Observed: 1 variant allele.
Comment: Variant classified as Uncertain Significance - Favor Benign. The p.His669Arg var iant in KCNQ4 has not been previously reported in individuals with hearing loss, but has been identified in 0.1% (18/16512) of South Asian chromosomes by the Ex ome Aggregation Consortium (ExAC; dbSNP rs749565 877). Although this variant has been seen in the general population, its frequen cy is not high enough to rule out a pathogenic role. Computational prediction to ols and conservation analysis suggest that the p.His669Arg variant may not impac t the protein, though this information is not predictive enough to rule out path ogenicity. In summary, while the clinical significance of the p.His669Arg varian t is uncertain, its frequency in the general population and computational analys es suggest that it is more likely to be benign.